The following is an entry in ClinVar:

ClinVar aggregate classification (germline): Uncertain significance (1 of 4 stars; one submission).

Conditions:
Ehlers-Danlos syndrome, type 4 (EDSVASC). Also called: Ehlers-Danlos syndrome vascular type; Ehlers Danlos syndrome, ecchymotic type; Ehlers Danlos syndrome, arterial type; Ehlers Danlos syndrome, Sack-Barabas type; Ehlers-Danlos Syndrome Type IV. Identifiers: Orphanet 286, MedGen C0268338, MONDO:0017314, OMIM 130050.

Submission:

All of Us Research Program, National Institutes of Health
Classification: Uncertain significance for Ehlers-Danlos syndrome, type 4. Last evaluated: 2024-05-14. Review status: criteria provided, single submitter. Criteria: ACMG Guidelines, 2015. Collection method: clinical testing. Allele origin: germline. Inheritance: Autosomal dominant inheritance. Observed: 1 variant allele, 1 heterozygote.
Comment: This missense variant replaces glutamic acid with glutamine at codon 472 of the COL3A1 protein. Computational prediction suggests that this variant may not impact protein structure and function (internally defined REVEL score threshold <= 0.5, PMID: 27666373). To our knowledge, functional studies have not been reported for this variant. This variant has not been reported in individuals affected with COL3A1-related disorders in the literature. This variant has not been identified in the general population by the Genome Aggregation Database (gnomAD). The available evidence is insufficient to determine the role of this variant in disease conclusively. Therefore, this variant is classified as a Variant of Uncertain Significance.

This study involves interpretation of variants in research participants for the purpose of population health screening. Participant phenotype was not available at the time of variant classification. Additional details can be found in publication PMID: 35346344, PMCID: PMC8962531

NM_000090.4(COL3A1):c.1414G>C (p.Glu472Gln)

Gene: COL3A1 (collagen type III alpha 1 chain; plus strand). Cytogenetic location: 2q32.2.
Variant type: single nucleotide variant.
Coding change: c.1414G>C on transcript NM_000090.4 (MANE Select); coding-DNA position 1414, G replaced by C.
Protein change: p.Glu472Gln; replaces glutamic acid 472 with glutamine.
Molecular consequence: missense variant.
Genome position (GRCh38, 1-based): chr2:188,994,790, G>C. VCF-style: chr2-188994790-G-C. GRCh37 (hg19) VCF-style: chr2-189859516-G-C.
Other names: short protein forms E472Q.
Identifiers: ClinVar variation 3386449 (VCV003386449.1).